The following is an entry in ClinVar:

ClinVar aggregate classification (germline): Likely pathogenic. Review status: reviewed by expert panel (3 of 4 stars). 10 submissions from 10 submitters: Likely pathogenic (1). 9 of the submissions do not count toward it. Last evaluated 2026-08-27.

Conditions:
BRCA1-related cancer predisposition. Identifiers: MedGen CN377757, MONDO:0700268.
Hereditary cancer-predisposing syndrome. Also called: Tumor predisposition; Neoplastic Syndromes, Hereditary; Hereditary Cancer Syndrome; Hereditary neoplastic syndrome. Identifiers: Orphanet 140162, MedGen C0027672, MeSH D009386, MONDO:0015356.
Hereditary breast ovarian cancer syndrome. Also called: Hereditary breast and ovarian cancer syndrome (HBOC); Hereditary breast and ovarian cancer syndrome; Hereditary breast and ovarian cancer; Hereditary breast and/or ovarian cancer syndrome; Breast and ovarian cancer; BRCA1- and BRCA2-Associated Hereditary Breast and Ovarian Cancer. Identifiers: Orphanet 145, MedGen C0677776, MeSH D061325, MONDO:0003582. Disease mechanism: loss of function.
Breast-ovarian cancer, familial, susceptibility to, 1 (BROVCA1). Also called: OVARIAN CANCER, SUSCEPTIBILITY TO; BRCA1 Hereditary Breast and Ovarian Cancer. Identifiers: Orphanet 145, MedGen C2676676, MONDO:0011450, OMIM 604370. Disease mechanism: loss of function.

Allele frequency attached by ClinVar (database versions not stated): TOPMed below 0.00001; gnomAD 0.00001.
gnomAD v4.1: 1 of 1,613,364 alleles (0.000062%); highest among the groups gnomAD compares: African/African-American, 0.0013%; no homozygotes.

Submissions 1 to 5 of 11:

ClinGen ENIGMA BRCA1 and BRCA2 Variant Curation Expert Panel, ClinGen
Classification: Likely pathogenic for BRCA1-related cancer predisposition. Last evaluated: 2026-08-27. Review status: reviewed by expert panel. Criteria: CSpec BRCA1/2ACMG Rules Specifications V1.2. Collection method: curation. Allele origin: germline. Inheritance: Autosomal dominant inheritance.
Comment: The c.5406+5G>T variant is an intronic variant occurring in intron 21 (22) of the BRCA1 gene. This variant is recorded in gnomAD v4.1, however the Total GrpMax filtering allele frequency (the lower threshold of the 95% CI) was not calculated, therefore this variant does not meet any population code (BA1, BS1, BS1_Supporting, PM2_Supporting are not met). This BRCA1 intronic variant is located outside of the native donor and acceptor 1,2 splice sites, and has a SpliceAI score of 0.92, predicting an impact on splicing (score threshold ≥0.2) (PP3 not applied because a PVS1 code is met). Intronic variant, functional data considered only from assays that measure effect via mRNA and protein. Reported by one calibrated study incorporating mRNA splicing effects to exhibit protein function similar to pathogenic control variants (PMID:30209399) (PS3 met). This variant is reported to result in aberrant mRNA splicing. RT-PCR analysis demonstrated that the variant impacts splicing by skipping of exon 21(22) (r.5333_5406del) leading to p.(D1778Gfs*27). The percent of aberrant transcripts produced was 35-45%, using a non-allele specific quantitative assessment with sequence analysis (Ambry internal data). Appropriate code strength determined by comparison of results to PVS1 decision tree and assessment of mRNA splicing data was PVS1_Strong (RNA). Multifactorial likelihood ratio analysis using clinically calibrated data produced a combined LR for this variant of 0.39 (based on Family History LR=0.39), within the thresholds for supporting benign evidence (LR >0.23 & ≤0.48) (BP5 met; PMID: 31853058). In summary, this variant meets the criteria to be classified as a Likely pathogenic variant for BRCA1-related cancer predisposition based on the ACMG/AMP criteria applied as specified by the ENIGMA BRCA1/2 VCEP (PVS1_Strong (RNA), PS3, BP5).

Ambry Genetics
Classification: Pathogenic for Hereditary cancer-predisposing syndrome. Last evaluated: 2025-03-28. Review status: criteria provided, single submitter. Criteria: Ambry Variant Classification Scheme 2023. Collection method: clinical testing. Allele origin: germline. Not counted in ClinVar's aggregate classification.
Comment: The c.5406+5G>T intronic pathogenic mutation results from a G to T substitution 5 nucleotides after coding exon 20 in the BRCA1 gene. RNA studies have demonstrated that this alteration results in abnormal splicing in the set of samples tested (Ambry internal data). One functional study found that this nucleotide substitution is deleterious in a high throughput genome editing haploid cell survival assay (Findlay GM et al. Nature 2018 10;562(7726):217-222). This nucleotide position is highly conserved in available vertebrate species. In silico splice site analysis predicts that this alteration will weaken the native splice donor site. This variant is considered to be rare based on population cohorts in the Genome Aggregation Database (gnomAD). Based on the supporting evidence, this alteration is interpreted as a disease-causing mutation.

Women's Health and Genetics/Laboratory Corporation of America, LabCorp
Classification: Likely pathogenic for Hereditary breast ovarian cancer syndrome. Last evaluated: 2024-06-27. Review status: criteria provided, single submitter. Criteria: LabCorp Variant Classification Summary - May 2015. Collection method: clinical testing. Allele origin: germline. Not counted in ClinVar's aggregate classification.
Comment: Variant summary: BRCA1 c.5406+5G>T alters a conserved nucleotide located close to a canonical splice site and therefore could affect mRNA splicing, leading to a significantly altered protein sequence. Several computational tools predict a significant impact on normal splicing: Two predict the variant abolishes a 5 splicing donor site. Two predict the variant weakens a 5' donor site. However, these predictions have yet to be confirmed by functional studies. The variant was absent in 251356 control chromosomes. c.5406+5G>T has been reported in the literature in individuals affected with Hereditary Breast And Ovarian Cancer Syndrome (Susswein_2016, Fostira_2020). These data indicate that the variant may be associated with disease. At least one functional study reports experimental evidence evaluating an impact on protein function and showed this variant as non functional on homology directed repair (HDR) activity assay (e.g. Findlay_2018). HDR assays qualify as a recognized gold standard on the basis of updated guidance provided by the ClinGen Sequence Variant Interpretation (SVI) working group. The following publications have been ascertained in the context of this evaluation (PMID: 30209399, 31300551, 22505045, 26681312). ClinVar contains an entry for this variant (Variation ID: 37667). Based on the evidence outlined above, the variant was classified as likely pathogenic.

Baylor Genetics
Classification: Likely pathogenic for Breast-ovarian cancer, familial, susceptibility to, 1. Last evaluated: 2024-02-23. Review status: criteria provided, single submitter. Criteria: ACMG Guidelines, 2015. Collection method: clinical testing. Allele origin: unknown. Not counted in ClinVar's aggregate classification.

Labcorp Genetics (formerly Invitae), Labcorp
Classification: Likely pathogenic for Hereditary breast ovarian cancer syndrome. Last evaluated: 2023-12-27. Review status: criteria provided, single submitter. Criteria: Invitae Variant Classification Sherloc (09022015). Collection method: clinical testing. Allele origin: germline. Not counted in ClinVar's aggregate classification.
Comment: This sequence change falls in intron 21 of the BRCA1 gene. It does not directly change the encoded amino acid sequence of the BRCA1 protein. It affects a nucleotide within the consensus splice site. This variant is not present in population databases (gnomAD no frequency). This variant has been observed in individual(s) with breast cancer (PMID: 12491487, 26681312). This variant is also known as IVS22+5G>T. ClinVar contains an entry for this variant (Variation ID: 37667). Algorithms developed to predict the effect of variants on protein structure and function are not available or were not evaluated for this variant. Experimental studies have shown that this variant affects BRCA1 function (PMID: 30209399). Variants that disrupt the consensus splice site are a relatively common cause of aberrant splicing (PMID: 17576681, 9536098). Algorithms developed to predict the effect of sequence changes on RNA splicing suggest that this variant may disrupt the consensus splice site. This variant disrupts the c.5406+5 nucleotide in the BRCA1 gene. Other variant(s) that disrupt this nucleotide have been determined to be pathogenic (PMID: 9354803, 22505045). This suggests that this nucleotide is clinically significant, and that variants that disrupt this position are likely to be disease-causing. In summary, the currently available evidence indicates that the variant is pathogenic, but additional data are needed to prove that conclusively. Therefore, this variant has been classified as Likely Pathogenic.

NM_007294.4(BRCA1):c.5406+5G>T

Gene: BRCA1 (BRCA1 DNA repair associated; minus strand). Cytogenetic location: 17q21.31.
Variant type: single nucleotide variant.
Coding change: c.5406+5G>T on transcript NM_007294.4 (MANE Select); 5 bases into the intron after coding-DNA position 5406, G replaced by T.
Molecular consequence: intron variant.
Genome position (GRCh38, 1-based): chr17:43,049,116, C>A on the plus strand (G>T on the coding strand, the complement: BRCA1 is on the minus strand). VCF-style: chr17-43049116-C-A. GRCh37 (hg19) VCF-style: chr17-41201133-C-A.
Other names: IVS22+5G>T; c.5196+5G>T (NM_001407884.1, NM_001407879.1, NM_001407882.1 and 5 more transcripts); c.5394+5G>T (NM_001407646.1); c.1968+5G>T (NM_001408445.1, NM_001408450.1, NM_001408447.1 and 2 more transcripts); c.1971+5G>T (NM_001408432.1, NM_001408443.1, NM_001408439.1 and 10 more transcripts); c.5277+5G>T (NM_001407689.1, NM_001407681.1, NM_001407687.1 and 5 more transcripts); c.5280+5G>T (NM_001407670.1, NM_001407675.1, NM_001407680.1 and 8 more transcripts); c.1974+5G>T (NM_001408431.1, NM_001408425.1, NM_001408428.1 and 4 more transcripts); and 85 more.
Identifiers: ClinVar variation 37667 (VCV000037667.65), dbSNP rs80358073, ClinGen allele CA003561.